The following is an entry in ClinVar:

NM_025103.4(IFT74):c.1497+3A>G

Gene: IFT74 (intraflagellar transport 74; plus strand). Cytogenetic location: 9p21.2.
Variant type: single nucleotide variant.
Coding change: c.1497+3A>G on transcript NM_025103.4 (MANE Select); 3 bases into the intron after coding-DNA position 1497, A replaced by G.
Molecular consequence: intron variant.
Genome position (GRCh38, 1-based): chr9:27,055,775, A>G. VCF-style: chr9-27055775-A-G. GRCh37 (hg19) VCF-style: chr9-27055773-A-G.
Other names: c.1497+3A>G (NM_001099223.3, NM_001099222.3, NM_001349928.2 and 1 more transcripts).
Identifiers: ClinVar variation 2041407 (VCV002041407.6), dbSNP rs566184125, ClinGen allele CA5015679.

ClinVar aggregate classification (germline): Likely benign. Review status: criteria provided, single submitter (1 of 4 stars). 2 submissions from 2 submitters: Likely benign (1). 1 of the submissions does not count toward it. Last evaluated 2025-09-10.

Conditions:
IFT74-related disorder. Also called: IFT74-Related Disorders; IFT74-related condition.

Allele frequency attached by ClinVar (database versions not stated): TOPMed 0.00002; gnomAD 0.00008; gnomAD exomes 0.00011; 1000 Genomes Project 0.00040; 1000 Genomes Project 30x 0.00047; ExAC 0.00049.
gnomAD v4.1: 169 of 1,505,640 alleles (0.011%); highest among the groups gnomAD compares: South Asian, 0.18%; 3 homozygotes.

Submissions (2):

Labcorp Genetics (formerly Invitae), Labcorp
Classification: Likely benign. Last evaluated: 2025-09-10. Review status: criteria provided, single submitter. Criteria: Invitae Variant Classification Sherloc (09022015). Collection method: clinical testing. Allele origin: germline.

PreventionGenetics, part of Exact Sciences
Classification: Likely benign for IFT74-related condition. Last evaluated: 2022-02-23. Review status: no assertion criteria provided. Collection method: clinical testing. Allele origin: germline. Not counted in ClinVar's aggregate classification.
Comment: This variant is classified as likely benign based on ACMG/AMP sequence variant interpretation guidelines (Richards et al. 2015 PMID: 25741868, with internal and published modifications).